The following is an entry in ClinVar:

NM_000179.3(MSH6):c.3121_3133del (p.Asp1041fs)

Gene: MSH6 (mutS homolog 6; plus strand). Cytogenetic location: 2p16.3.
Variant type: Deletion.
Coding change: c.3121_3133del on transcript NM_000179.3 (MANE Select); coding-DNA positions 3121 to 3133, 13 bases deleted (GATAAAAATTACA).
Protein change: p.Asp1041fs; shifts the reading frame from aspartic acid 1041.
Molecular consequence: frameshift variant.
Genome position (GRCh38, 1-based): chr2:47,801,104-47,801,116, GATAAAAATTACA deleted. VCF-style (leftmost placement, unchanged base first): chr2-47801103-TGATAAAAATTACA-T. GRCh37 (hg19) VCF-style: chr2-48028242-TGATAAAAATTACA-T.
Other names: c.2731_2743del, p.Asp911fs (NM_001281492.2); c.2215_2227del, p.Asp739fs (NM_001281493.2, NM_001281494.2); c.3217_3229delGATAAAAATTACA, p.Asp1073Argfs (NM_001406795.1, NM_001406802.1); c.3121_3133delGATAAAAATTACA, p.Asp1041Argfs (NM_001406796.1, NM_001406798.1, NM_001406800.1 and 2 more transcripts); c.2824_2836delGATAAAAATTACA, p.Asp942Argfs (NM_001406797.1, NM_001406801.1, NM_001406805.1 and 10 more transcripts); c.2596_2608delGATAAAAATTACA, p.Asp866Argfs (NM_001406799.1, NM_001406806.1, NM_001406807.1); c.3043_3055delGATAAAAATTACA, p.Asp1015Argfs (NM_001406804.1); c.2215_2227delGATAAAAATTACA, p.Asp739Argfs (NM_001406811.1, NM_001406812.1, NM_001406814.1 and 4 more transcripts); and 3 more; short protein forms D911fs, D1041fs, D739fs.
Identifiers: ClinVar variation 2127129 (VCV002127129.4), dbSNP rs2530715290, ClinGen allele CA2580066804.

ClinVar aggregate classification (germline): Pathogenic (1 of 4 stars; one submission).

Conditions:
Hereditary nonpolyposis colorectal neoplasms. Identifiers: MedGen C0009405, MeSH D003123.

Submission:

Labcorp Genetics (formerly Invitae), Labcorp
Classification: Pathogenic for Hereditary nonpolyposis colorectal neoplasms. Last evaluated: 2022-04-17. Review status: criteria provided, single submitter. Criteria: Invitae Variant Classification Sherloc (09022015). Collection method: clinical testing. Allele origin: germline.
Comment: For these reasons, this variant has been classified as Pathogenic. This variant has not been reported in the literature in individuals affected with MSH6-related conditions. This variant is not present in population databases (gnomAD no frequency). This sequence change creates a premature translational stop signal (p.Asp1041Argfs*7) in the MSH6 gene. It is expected to result in an absent or disrupted protein product. Loss-of-function variants in MSH6 are known to be pathogenic (PMID: 18269114, 24362816).

Literature cited by the submitters: PubMed 18269114; PubMed 24362816.